The following is an entry in ClinVar:

NM_005045.4(RELN):c.3368A>G (p.Asp1123Gly)

Gene: RELN (reelin; minus strand). Cytogenetic location: 7q22.1.
Variant type: single nucleotide variant.
Coding change: c.3368A>G on transcript NM_005045.4 (MANE Select); coding-DNA position 3368, A replaced by G.
Protein change: p.Asp1123Gly; replaces aspartic acid 1123 with glycine.
Molecular consequence: missense variant.
Genome position (GRCh38, 1-based): chr7:103,596,627, T>C on the plus strand (A>G on the coding strand, the complement: RELN is on the minus strand). VCF-style: chr7-103596627-T-C. GRCh37 (hg19) VCF-style: chr7-103237074-T-C.
Other names: c.3368A>G, p.Asp1123Gly (NM_173054.3); short protein forms D1123G.
Identifiers: ClinVar variation 2571291 (VCV002571291.27), dbSNP rs1584329020, ClinGen allele CA368761186.

ClinVar aggregate classification (germline): Uncertain significance (1 of 4 stars; one submission).

Allele frequency attached by ClinVar (database versions not stated): gnomAD exomes below 0.00001.
gnomAD v4.1: 1 of 1,614,020 alleles (0.000062%); highest among the groups gnomAD compares: Non-Finnish European, 0.000085%; no homozygotes.

Submission:

CeGaT Center for Human Genetics Tuebingen
Classification: Uncertain significance. Last evaluated: 2023-06-01. Review status: criteria provided, single submitter. Criteria: CeGaT Center For Human Genetics Tuebingen Variant Classification Criteria Version 2. Collection method: clinical testing. Allele origin: germline. Affected: yes. Observed: 1 variant allele.
Comment: RELN: PM2